The following is an entry in ClinVar:

ClinVar aggregate classification (germline): Pathogenic (1 of 4 stars; one submission).

Conditions:
Wilson disease (WND). Also called: Wilson's disease. Identifiers: Orphanet 905, MedGen C0019202, MONDO:0010200, OMIM 277900. Disease mechanism: loss of function.

Submission:

Labcorp Genetics (formerly Invitae), Labcorp
Classification: Pathogenic for Wilson disease. Last evaluated: 2023-07-14. Review status: criteria provided, single submitter. Criteria: Invitae Variant Classification Sherloc (09022015). Collection method: clinical testing. Allele origin: germline.
Comment: For these reasons, this variant has been classified as Pathogenic. This variant disrupts a region of the ATP7B protein in which other variant(s) (p.Gly85Val) have been determined to be pathogenic (PMID: 17919502, 19937698, 22240481, 30702195, 32043565). This suggests that this is a clinically significant region of the protein, and that variants that disrupt it are likely to be disease-causing. This variant has not been reported in the literature in individuals affected with ATP7B-related conditions. This variant is not present in population databases (gnomAD no frequency). This variant, c.246_284del, is a complex sequence change that results in the deletion of 14 and insertion of 1 amino acid(s) in the ATP7B protein (p.Asn82_Gln95delinsLys).

Literature cited by the submitters: PubMed 17919502; PubMed 19937698; PubMed 22240481; PubMed 30702195; PubMed 32043565.

NM_000053.4(ATP7B):c.246_284del (p.Asn82_Gln95delinsLys)

Gene: ATP7B (ATPase copper transporting beta; minus strand). Cytogenetic location: 13q14.3.
Variant type: Deletion.
Coding change: c.246_284del on transcript NM_000053.4 (MANE Select); coding-DNA positions 246 to 284, 39 bases deleted.
Protein change: p.Asn82_Gln95delinsLys.
Molecular consequence: inframe indel.
Genome position (GRCh38, 1-based): chr13:51,974,936-51,974,974, 39 bases deleted; deleting any 39 consecutive bases within chr13:51,974,936-51,974,975 gives the same sequence; the c. name uses the placement nearest the transcript's 3' end. GRCh37 (hg19): chr13:52,549,073-52,549,111.
Other names: c.246_284del, p.Asn82_Gln95delinsLys (NM_001406514.1, NM_001406515.1, NM_001406516.1 and 30 more transcripts); c.150_188del, p.Asn50_Gln63delinsLys (NM_001406517.1, NM_001406518.1, NM_001406530.1 and 4 more transcripts).
Identifiers: ClinVar variation 2799278 (VCV002799278.3), dbSNP rs2547824218, ClinGen allele CA2739277636.
Genomic context (GRCh38, chr13:51,974,935, plus strand): 5'-TTGATGGCAAACCTGTTGCAGGCACACAACCGATGGCACATATTTCACAGTGGCACTGCC[TTGTTCCAGGGAAACCTTCATGCTGATGATGCCTTTCAAA>T]TTGGAAATCCTGTCCTCAATGGACTTCACACATGACTGGCAAGTCATGCCCAAGATCCTG-3'